The following is an entry in ClinVar:

ClinVar aggregate classification (germline): Pathogenic (1 of 4 stars; one submission).

Conditions:
Hereditary breast ovarian cancer syndrome. Also called: Hereditary breast and/or ovarian cancer syndrome; Hereditary breast and ovarian cancer syndrome; Breast and ovarian cancer; Hereditary breast and ovarian cancer syndrome (HBOC); BRCA1- and BRCA2-Associated Hereditary Breast and Ovarian Cancer; Hereditary breast and ovarian cancer. Identifiers: Orphanet 145, MedGen C0677776, MeSH D061325, MONDO:0003582. Disease mechanism: loss of function.

Submission:

Labcorp Genetics (formerly Invitae), Labcorp
Classification: Pathogenic for Hereditary breast ovarian cancer syndrome. Last evaluated: 2025-10-29. Review status: criteria provided, single submitter. Criteria: Invitae Variant Classification Sherloc (09022015). Collection method: clinical testing. Allele origin: germline.
Comment: This sequence change creates a premature translational stop signal (p.Thr3195Lysfs*21) in the BRCA2 gene. While this is not anticipated to result in nonsense mediated decay, it is expected to disrupt the last 220 amino acid(s) of the BRCA2 protein. This variant is not present in population databases (gnomAD no frequency). This variant has not been reported in the literature in individuals affected with BRCA2-related conditions. This variant disrupts a region of the BRCA2 protein in which other variant(s) (p.Tyr3308*) have been determined to be pathogenic (PMID: 17026620, 18593900, 18607349, 22711857). This suggests that this is a clinically significant region of the protein, and that variants that disrupt it are likely to be disease-causing. For these reasons, this variant has been classified as Pathogenic.

Literature cited by the submitters: PubMed 17026620; PubMed 18593900; PubMed 18607349; PubMed 22711857.

NM_000059.4(BRCA2):c.9584_9587del (p.Thr3195fs)

Gene: BRCA2 (BRCA2 DNA repair associated; plus strand). Cytogenetic location: 13q13.1.
Variant type: Deletion.
Coding change: c.9584_9587del on transcript NM_000059.4 (MANE Select); coding-DNA positions 9584 to 9587, 4 bases deleted (CTAA; older notation c.9584_9587delCTAA).
Protein change: p.Thr3195fs; shifts the reading frame from threonine 3195.
Molecular consequence: frameshift variant. On other transcripts: non-coding transcript variant (1).
Genome position (GRCh38, 1-based): chr13:32,396,980-32,396,983, CTAA deleted; deleting any 4 consecutive bases within chr13:32,396,978-32,396,983 gives the same sequence; the c. name uses the placement nearest the transcript's 3' end. VCF-style (leftmost placement, unchanged base first): chr13-32396977-CAACT-C. GRCh37 (hg19) VCF-style: chr13-32971114-CAACT-C.
Other names: c.9488_9491del, p.Thr3163fs (NM_001406719.1); c.9533_9536del, p.Thr3178fs (NM_001406720.1); c.4652_4655del, p.Thr1551fs (NM_001406721.1); c.3167_3170del, p.Thr1056fs (NM_001406722.1); c.9584_9587del, p.Thr3195fs (NM_001432077.1); short protein forms T3163fs, T3195fs, T1551fs, T3178fs, T1056fs.
Identifiers: ClinVar variation 4730157 (VCV004730157.1).